The following is an entry in ClinVar:

ClinVar aggregate classification (germline): Uncertain significance (1 of 4 stars; one submission).

Allele frequency attached by ClinVar (database versions not stated): gnomAD 0.00001; TOPMed 0.00001.
gnomAD v4.1: 23 of 1,584,836 alleles (0.0015%); highest among the groups gnomAD compares: Non-Finnish European, 0.0019%; no homozygotes.

Submission:

Labcorp Genetics (formerly Invitae), Labcorp
Classification: Uncertain significance. Last evaluated: 2023-12-01. Review status: criteria provided, single submitter. Criteria: Invitae Variant Classification Sherloc (09022015). Collection method: clinical testing. Allele origin: germline.
Comment: This sequence change replaces alanine, which is neutral and non-polar, with valine, which is neutral and non-polar, at codon 161 of the TCF3 protein (p.Ala161Val). The frequency data for this variant in the population databases is considered unreliable, as metrics indicate poor data quality at this position in the gnomAD database. This variant has not been reported in the literature in individuals affected with TCF3-related conditions. Advanced modeling of protein sequence and biophysical properties (such as structural, functional, and spatial information, amino acid conservation, physicochemical variation, residue mobility, and thermodynamic stability) performed at Invitae indicates that this missense variant is not expected to disrupt TCF3 protein function with a negative predictive value of 80%. In summary, the available evidence is currently insufficient to determine the role of this variant in disease. Therefore, it has been classified as a Variant of Uncertain Significance.

NM_003200.5(TCF3):c.482C>T (p.Ala161Val)

Gene: TCF3 (transcription factor 3; minus strand). Cytogenetic location: 19p13.3.
Variant type: single nucleotide variant.
Coding change: c.482C>T on transcript NM_003200.5 (MANE Select); coding-DNA position 482, C replaced by T.
Protein change: p.Ala161Val; replaces alanine 161 with valine.
Molecular consequence: missense variant.
Genome position (GRCh38, 1-based): chr19:1,625,593, G>A on the plus strand (C>T on the coding strand, the complement: TCF3 is on the minus strand). VCF-style: chr19-1625593-G-A. GRCh37 (hg19) VCF-style: chr19-1625592-G-A.
Other names: c.482C>T, p.Ala161Val (NM_001136139.4, NM_001351778.2, NM_001351779.2); short protein forms A161V.
Identifiers: ClinVar variation 2995030 (VCV002995030.3), dbSNP rs1280061503, ClinGen allele CA403057078.